The following is an entry in ClinVar:

NM_138295.5(PKD1L1):c.2316C>T (p.Gly772=)

Gene: PKD1L1 (polycystin 1 like 1, transient receptor potential channel interacting; minus strand). Cytogenetic location: 7p12.3.
Variant type: single nucleotide variant.
Coding change: c.2316C>T on transcript NM_138295.5 (MANE Select); coding-DNA position 2316, C replaced by T.
Protein change: p.Gly772=; no amino-acid change (glycine 772 retained).
Molecular consequence: synonymous variant.
Genome position (GRCh38, 1-based): chr7:47,894,015, G>A on the plus strand (C>T on the coding strand, the complement: PKD1L1 is on the minus strand). VCF-style: chr7-47894015-G-A. GRCh37 (hg19) VCF-style: chr7-47933612-G-A.
Other names: c.2316C>T (NM_138295.3).
Identifiers: ClinVar variation 4896024 (VCV004896024.2).
Genomic context (GRCh38, chr7:47,894,015, plus strand): 5'-GAAGAATAGGTGTGTGCCCTCGGAGATCACACTGACAGGGGCCTGGGCTCGCACCTCCAG[G>A]CCCACACAGTAGTTGCTGTACACCACACTGCCTTCAATCTGAACCTGCAGGGGCAAGGAA-3'
Protein context (NP_612152.1, residues 762-782): GSVVYSNYCV[Gly772=]LEVRAQAPVS

ClinVar aggregate classification (germline): Benign/Likely benign. Review status: criteria provided, multiple submitters, no conflicts (2 of 4 stars). 2 submissions from 2 submitters: Benign (1); Likely benign (1). Last evaluated 2025-05-28.

Conditions:
PKD1L1-related disorder. Also called: PKD1L1-related condition.

Submissions (2):

PreventionGenetics, part of Exact Sciences
Classification: Likely benign for PKD1L1-related condition. Last evaluated: 2025-05-28. Review status: criteria provided, single submitter. Criteria: ACMG Guidelines, 2015. Collection method: clinical testing. Allele origin: germline.
Comment: This variant is classified as likely benign based on ACMG/AMP sequence variant interpretation guidelines (Richards et al. 2015 PMID: 25741868, with internal and published modifications).

Blueprint Genetics
Classification: Benign. Last evaluated: 2021-06-09. Review status: criteria provided, single submitter. Criteria: ACMG Guidelines, 2015. Collection method: clinical testing. Allele origin: germline.